The following is an entry in ClinVar:

ClinVar aggregate classification (germline): Pathogenic (1 of 4 stars; one submission).

Conditions:
Cardiovascular phenotype. Identifiers: MedGen CN230736.

Submission:

Ambry Genetics
Classification: Pathogenic for Cardiovascular phenotype. Last evaluated: 2022-10-18. Review status: criteria provided, single submitter. Criteria: Ambry Variant Classification Scheme 2023. Collection method: clinical testing. Allele origin: germline.
Comment: The c.11691delC pathogenic mutation, located in coding exon 18 of the ALMS1 gene, results from a deletion of one nucleotide at nucleotide position 11691, causing a translational frameshift with a predicted alternate stop codon (p.N3897Kfs*12). This variant is considered to be rare based on population cohorts in the Genome Aggregation Database (gnomAD). This alteration is expected to result in loss of function by premature protein truncation or nonsense-mediated mRNA decay. As such, this alteration is interpreted as a disease-causing mutation.

NM_001378454.1(ALMS1):c.11688del (p.Asn3896fs)

Gene: ALMS1 (ALMS1 centrosome and basal body associated protein; plus strand). Cytogenetic location: 2p13.1.
Variant type: Deletion.
Coding change: c.11688del on transcript NM_001378454.1 (MANE Select); coding-DNA position 11688, one base deleted (C; older notation c.11688delC).
Protein change: p.Asn3896fs; shifts the reading frame from asparagine 3896.
Molecular consequence: frameshift variant.
Genome position (GRCh38, 1-based): chr2:73,600,697, C deleted. VCF-style (leftmost placement, unchanged base first): chr2-73600696-AC-A. GRCh37 (hg19) VCF-style: chr2-73827823-AC-A.
Other names: c.11691del, p.Asn3897fs (NM_015120.4); c.11691delC (NM_015120.4); short protein forms N3897fs, N3896fs.
Identifiers: ClinVar variation 1738859 (VCV001738859.2), dbSNP rs2466519774, ClinGen allele CA2580068169.